The following is an entry in ClinVar:

ClinVar aggregate classification (germline): Uncertain significance (1 of 4 stars; one submission).

Conditions:
Inborn genetic diseases. Identifiers: MedGen C0950123, MeSH D030342.

gnomAD v4.1: 4 of 1,613,214 alleles (0.00025%); highest among the groups gnomAD compares: South Asian, 0.0044%; no homozygotes.

Submission:

Ambry Genetics
Classification: Uncertain significance for Inborn genetic diseases. Last evaluated: 2026-06-24. Review status: criteria provided, single submitter. Criteria: Ambry Variant Classification Scheme 2023. Collection method: clinical testing. Allele origin: germline.
Comment: The p.S357L variant (also known as c.1070C>T), located in coding exon 12 of the FANCA gene, results from a C to T substitution at nucleotide position 1070. The serine at codon 357 is replaced by leucine, an amino acid with dissimilar properties. This amino acid position is conserved. In addition, the in silico prediction for this alteration is inconclusive. Based on the available evidence, the clinical significance of this variant remains unclear.

NM_000135.4(FANCA):c.1070C>T (p.Ser357Leu)

Gene: FANCA (FA complementation group A; minus strand). Cytogenetic location: 16q24.3.
Variant type: single nucleotide variant.
Coding change: c.1070C>T on transcript NM_000135.4 (MANE Select); coding-DNA position 1070, C replaced by T.
Protein change: p.Ser357Leu; replaces serine 357 with leucine.
Molecular consequence: missense variant.
Genome position (GRCh38, 1-based): chr16:89,792,484, G>A on the plus strand (C>T on the coding strand, the complement: FANCA is on the minus strand). VCF-style: chr16-89792484-G-A. GRCh37 (hg19) VCF-style: chr16-89858892-G-A.
Other names: c.1070C>T, p.Ser357Leu (NM_001286167.3); short protein forms S357L.
Identifiers: ClinVar variation 5036322 (VCV005036322.1).